The following is an entry in ClinVar:

NM_000492.4(CFTR):c.226T>A (p.Cys76Ser)

Gene: CFTR (CF transmembrane conductance regulator; plus strand). Cytogenetic location: 7q31.2.
Variant type: single nucleotide variant.
Coding change: c.226T>A on transcript NM_000492.4 (MANE Select); coding-DNA position 226, T replaced by A.
Protein change: p.Cys76Ser; replaces cysteine 76 with serine.
Molecular consequence: missense variant.
Genome position (GRCh38, 1-based): chr7:117,509,095, T>A. VCF-style: chr7-117509095-T-A. GRCh37 (hg19) VCF-style: chr7-117149149-T-A.
Other names: c.226T>A (NM_000492.3); short protein forms C76S.
Identifiers: ClinVar variation 290847 (VCV000290847.8), dbSNP rs757959325, ClinGen allele CA10606920.
Genomic context (GRCh38, chr7:117,509,095, plus strand): 5'-GAATGGGATAGAGAGCTGGCTTCAAAGAAAAATCCTAAACTCATTAATGCCCTTCGGCGA[T>A]GTTTTTTCTGGAGATTTATGTTCTATGGAATCTTTTTATATTTAGGGGTAAGGATCTCAT-3'
Protein context (NP_000483.3, residues 66-86): NPKLINALRR[Cys76Ser]FFWRFMFYGI

ClinVar aggregate classification (germline): Uncertain significance. Review status: criteria provided, multiple submitters, no conflicts (2 of 4 stars). 2 submissions from 2 submitters: Uncertain significance (2). Last evaluated 2025-05-15.

Conditions:
Cystic fibrosis (CF). Also called: MUCOVISCIDOSIS. Identifiers: Orphanet 586, MedGen C0010674, MONDO:0009061, OMIM 219700. Disease mechanism: loss of function.

Submissions (2):

Ambry Genetics
Classification: Uncertain significance for Cystic fibrosis. Last evaluated: 2025-05-15. Review status: criteria provided, single submitter. Criteria: Ambry Variant Classification Scheme 2023. Collection method: clinical testing. Allele origin: germline.
Comment: The p.C76S variant (also known as c.226T>A), located in coding exon 3 of the CFTR gene, results from a T to A substitution at nucleotide position 226. The cysteine at codon 76 is replaced by serine, an amino acid with dissimilar properties. This amino acid position is highly conserved in available vertebrate species. In addition, this alteration is predicted to be deleterious by in silico analysis. Since supporting evidence is limited at this time, the clinical significance of this alteration remains unclear.

Eurofins Ntd Llc (ga)
Classification: Uncertain significance. Last evaluated: 2016-09-06. Review status: criteria provided, single submitter. Criteria: EGL Classification Definitions 2015. Collection method: clinical testing. Allele origin: germline. Observed: 1 variant allele, 1 heterozygote.